The following is an entry in ClinVar:

ClinVar aggregate classification (germline): Uncertain significance (1 of 4 stars; one submission).

Conditions:
Ehlers-Danlos syndrome, type 4 (EDSVASC). Also called: Ehlers-Danlos syndrome vascular type; Ehlers Danlos syndrome, ecchymotic type; Ehlers Danlos syndrome, arterial type; Ehlers Danlos syndrome, Sack-Barabas type; Ehlers-Danlos Syndrome Type IV. Identifiers: Orphanet 286, MedGen C0268338, MONDO:0017314, OMIM 130050.

Submission:

Labcorp Genetics (formerly Invitae), Labcorp
Classification: Uncertain significance for Ehlers-Danlos syndrome, type 4. Last evaluated: 2023-02-20. Review status: criteria provided, single submitter. Criteria: Invitae Variant Classification Sherloc (09022015). Collection method: clinical testing. Allele origin: germline.
Comment: In summary, the available evidence is currently insufficient to determine the role of this variant in disease. Therefore, it has been classified as a Variant of Uncertain Significance. Advanced modeling of protein sequence and biophysical properties (such as structural, functional, and spatial information, amino acid conservation, physicochemical variation, residue mobility, and thermodynamic stability) has been performed at Invitae for this missense variant, however the output from this modeling did not meet the statistical confidence thresholds required to predict the impact of this variant on COL3A1 protein function. This variant has not been reported in the literature in individuals affected with COL3A1-related conditions. This variant is not present in population databases (gnomAD no frequency). This sequence change replaces glycine, which is neutral and non-polar, with cysteine, which is neutral and slightly polar, at codon 101 of the COL3A1 protein (p.Gly101Cys).

NM_000090.4(COL3A1):c.301G>T (p.Gly101Cys)

Gene: COL3A1 (collagen type III alpha 1 chain; plus strand). Cytogenetic location: 2q32.2.
Variant type: single nucleotide variant.
Coding change: c.301G>T on transcript NM_000090.4 (MANE Select); coding-DNA position 301, G replaced by T.
Protein change: p.Gly101Cys; replaces glycine 101 with cysteine.
Molecular consequence: missense variant.
Genome position (GRCh38, 1-based): chr2:188,985,215, G>T. VCF-style: chr2-188985215-G-T. GRCh37 (hg19) VCF-style: chr2-189849941-G-T.
Other names: short protein forms G101C.
Identifiers: ClinVar variation 2839141 (VCV002839141.3), dbSNP rs2469107127, ClinGen allele CA349847554.